The following is an entry in ClinVar:

ClinVar aggregate classification (germline): Uncertain significance (1 of 4 stars; one submission).

Submission:

Ambry Genetics
Classification: Uncertain significance. Last evaluated: 2024-05-26. Review status: criteria provided, single submitter. Criteria: Ambry Variant Classification Scheme 2023. Collection method: clinical testing. Allele origin: germline.
Comment: The p.E915D variant (also known as c.2745G>T), located in coding exon 16 of the POLQ gene, results from a G to T substitution at nucleotide position 2745. The glutamic acid at codon 915 is replaced by aspartic acid, an amino acid with highly similar properties. This amino acid position is conserved. In addition, this alteration is predicted to be tolerated by in silico analysis. Based on the available evidence, the clinical significance of this variant remains unclear.

NM_199420.4(POLQ):c.2745G>T (p.Glu915Asp)

Gene: POLQ (DNA polymerase theta; minus strand). Cytogenetic location: 3q13.33.
Variant type: single nucleotide variant.
Coding change: c.2745G>T on transcript NM_199420.4 (MANE Select); coding-DNA position 2745, G replaced by T.
Protein change: p.Glu915Asp; replaces glutamic acid 915 with aspartic acid.
Molecular consequence: missense variant.
Genome position (GRCh38, 1-based): chr3:121,490,186, C>A on the plus strand (G>T on the coding strand, the complement: POLQ is on the minus strand). VCF-style: chr3-121490186-C-A. GRCh37 (hg19) VCF-style: chr3-121209033-C-A.
Other names: short protein forms E915D.
Identifiers: ClinVar variation 3308700 (VCV003308700.1).